The following is an entry in ClinVar:

NM_001349253.2(SCN11A):c.5035C>T (p.Arg1679Cys)

Gene: SCN11A (sodium voltage-gated channel alpha subunit 11; minus strand). Cytogenetic location: 3p22.2.
Variant type: single nucleotide variant.
Coding change: c.5035C>T on transcript NM_001349253.2 (MANE Select); coding-DNA position 5035, C replaced by T.
Protein change: p.Arg1679Cys; replaces arginine 1679 with cysteine.
Molecular consequence: missense variant.
Genome position (GRCh38, 1-based): chr3:38,847,035, G>A on the plus strand (C>T on the coding strand, the complement: SCN11A is on the minus strand). VCF-style: chr3-38847035-G-A. GRCh37 (hg19) VCF-style: chr3-38888526-G-A.
Other names: c.5035C>T, p.Arg1679Cys (NM_014139.3); short protein forms R1679C.
Identifiers: ClinVar variation 1362091 (VCV001362091.9), dbSNP rs143537709, ClinGen allele CA2321417.
Genomic context (GRCh38, chr3:38,847,035, plus strand): 5'-CATCAGAGCCACCGAGTACCCTAGCGGTGAAGGCGAAAAGAATATCCATGCAGTGGAGGC[G>A]ATCTTCACTCACCATGGGCAAGTCCATTACTAGAAATTGATATTTATTTGGCTTTGCGAC-3'
Protein context (NP_001336182.1, residues 1669-1689): VMDLPMVSED[Arg1679Cys]LHCMDILFAF

ClinVar aggregate classification (germline): Uncertain significance. Review status: criteria provided, multiple submitters, no conflicts (2 of 4 stars). 3 submissions from 3 submitters: Uncertain significance (3). Last evaluated 2026-04-21.

Conditions:
Inborn genetic diseases. Identifiers: MedGen C0950123, MeSH D030342.
Hereditary sensory and autonomic neuropathy type 7. Also called: HSAN VII; Neuropathy, hereditary sensory and autonomic, type VII. Identifiers: Orphanet 391397, MedGen C3809882, MONDO:0014244, OMIM 615548.
Familial episodic pain syndrome with predominantly lower limb involvement. Also called: Episodic pain syndrome, familial, 3. Identifiers: Orphanet 391384, Orphanet 391392, MedGen C3809899, MONDO:0014247, OMIM 615552.
SCN11A-related disorder. Also called: SCN11A-related condition.

Allele frequency attached by ClinVar (database versions not stated): gnomAD 0.00003; gnomAD exomes 0.00003 and 0.00004; ExAC 0.00004.
gnomAD v4.1: 62 of 1,613,946 alleles (0.0038%); highest among the groups gnomAD compares: East Asian, 0.0067%; no homozygotes.

Submissions (3):

PreventionGenetics, part of Exact Sciences
Classification: Uncertain significance for SCN11A-related condition. Last evaluated: 2026-04-21. Review status: criteria provided, single submitter. Criteria: ACMG Guidelines, 2015. Collection method: clinical testing. Allele origin: germline.
Comment: The SCN11A c.5035C>T variant is predicted to result in the amino acid substitution p.Arg1679Cys. To our knowledge, this variant has not been reported in the literature. This variant is reported in 0.0099% of alleles in individuals of Ashkenazi Jewish descent in gnomAD. At this time, the clinical significance of this variant is uncertain due to the absence of conclusive functional and genetic evidence.

Labcorp Genetics (formerly Invitae), Labcorp
Classification: Uncertain significance for Familial episodic pain syndrome with predominantly lower limb involvement; Hereditary sensory and autonomic neuropathy type 7. Last evaluated: 2024-10-30. Review status: criteria provided, single submitter. Criteria: Invitae Variant Classification Sherloc (09022015). Collection method: clinical testing. Allele origin: germline.
Comment: This sequence change replaces arginine, which is basic and polar, with cysteine, which is neutral and slightly polar, at codon 1679 of the SCN11A protein (p.Arg1679Cys). This variant is present in population databases (rs143537709, gnomAD 0.01%). This variant has not been reported in the literature in individuals affected with SCN11A-related conditions. ClinVar contains an entry for this variant (Variation ID: 1362091). Invitae Evidence Modeling of protein sequence and biophysical properties (such as structural, functional, and spatial information, amino acid conservation, physicochemical variation, residue mobility, and thermodynamic stability) indicates that this missense variant is expected to disrupt SCN11A protein function with a positive predictive value of 80%. In summary, the available evidence is currently insufficient to determine the role of this variant in disease. Therefore, it has been classified as a Variant of Uncertain Significance.

Ambry Genetics
Classification: Uncertain significance for Inborn genetic diseases. Last evaluated: 2019-12-28. Review status: criteria provided, single submitter. Criteria: Ambry Variant Classification Scheme 2023. Collection method: clinical testing. Allele origin: germline.
Comment: The p.R1679C variant (also known as c.5035C>T), located in coding exon 26 of the SCN11A gene, results from a C to T substitution at nucleotide position 5035. The arginine at codon 1679 is replaced by cysteine, an amino acid with highly dissimilar properties. This amino acid position is well conserved in available vertebrate species. In addition, the in silico prediction for this alteration is inconclusive. Since supporting evidence is limited at this time, the clinical significance of this alteration remains unclear.